The following is an entry in ClinVar:

NM_001197104.2(KMT2A):c.9937G>C (p.Ala3313Pro)

Gene: KMT2A (lysine methyltransferase 2A; plus strand). Cytogenetic location: 11q23.3.
Variant type: single nucleotide variant.
Coding change: c.9937G>C on transcript NM_001197104.2 (MANE Select); coding-DNA position 9937, G replaced by C.
Protein change: p.Ala3313Pro; replaces alanine 3313 with proline.
Molecular consequence: missense variant.
Genome position (GRCh38, 1-based): chr11:118,505,829, G>C. VCF-style: chr11-118505829-G-C. GRCh37 (hg19) VCF-style: chr11-118376544-G-C.
Other names: c.9937G>C (NM_001197104.1); c.9928G>C, p.Ala3310Pro (NM_005933.4); short protein forms A3310P, A3313P.
Identifiers: ClinVar variation 1017737 (VCV001017737.9), dbSNP rs1591285579, ClinGen allele CA382822307.

ClinVar aggregate classification (germline): Uncertain significance. Review status: criteria provided, multiple submitters, no conflicts (2 of 4 stars). 2 submissions from 2 submitters: Uncertain significance (2). Last evaluated 2025-09-15.

Conditions:
Inborn genetic diseases. Identifiers: MedGen C0950123, MeSH D030342.

Allele frequency attached by ClinVar (database versions not stated): gnomAD exomes below 0.00001; TOPMed below 0.00001.
gnomAD v4.1: 2 of 1,614,120 alleles (0.00012%); highest among the groups gnomAD compares: Non-Finnish European, 0.00017%; no homozygotes.

Submissions (2):

Labcorp Genetics (formerly Invitae), Labcorp
Classification: Uncertain significance. Last evaluated: 2025-09-15. Review status: criteria provided, single submitter. Criteria: Invitae Variant Classification Sherloc (09022015). Collection method: clinical testing. Allele origin: germline.
Comment: This sequence change replaces alanine, which is neutral and non-polar, with proline, which is neutral and non-polar, at codon 3313 of the KMT2A protein (p.Ala3313Pro). This variant is not present in population databases (gnomAD no frequency). This variant has not been reported in the literature in individuals affected with KMT2A-related conditions. ClinVar contains an entry for this variant (Variation ID: 1017737). Invitae Evidence Modeling of protein sequence and biophysical properties (such as structural, functional, and spatial information, amino acid conservation, physicochemical variation, residue mobility, and thermodynamic stability) indicates that this missense variant is not expected to disrupt KMT2A protein function with a negative predictive value of 95%. In summary, the available evidence is currently insufficient to determine the role of this variant in disease. Therefore, it has been classified as a Variant of Uncertain Significance.

Ambry Genetics
Classification: Uncertain significance for Inborn genetic diseases. Last evaluated: 2025-08-11. Review status: criteria provided, single submitter. Criteria: Ambry Variant Classification Scheme 2023. Collection method: clinical testing. Allele origin: germline.